The following is an entry in ClinVar:

NM_032620.4(GTPBP3):c.1057G>A (p.Val353Ile)

Gene: GTPBP3 (GTP binding protein 3, mitochondrial; plus strand). Cytogenetic location: 19p13.11.
Variant type: single nucleotide variant.
Coding change: c.1057G>A on transcript NM_032620.4 (MANE Select); coding-DNA position 1057, G replaced by A.
Protein change: p.Val353Ile; replaces valine 353 with isoleucine.
Molecular consequence: missense variant.
Genome position (GRCh38, 1-based): chr19:17,341,126, G>A. VCF-style: chr19-17341126-G-A. GRCh37 (hg19) VCF-style: chr19-17451935-G-A.
Other names: c.994G>A, p.Val332Ile (NM_001128855.3); c.1123G>A, p.Val375Ile (NM_001195422.1); c.1153G>A, p.Val385Ile (NM_133644.4); short protein forms V375I, V385I, V332I, V353I.
Identifiers: ClinVar variation 512102 (VCV000512102.52), dbSNP rs77401427, ClinGen allele CA9293635.

ClinVar aggregate classification (germline): Benign. Review status: criteria provided, multiple submitters, no conflicts (2 of 4 stars). 2 submissions from 2 submitters: Benign (2). Last evaluated 2025-12-15.

Allele frequency attached by ClinVar (database versions not stated): ESP Exome Variant Server 0.00008; gnomAD 0.00036 and 0.00054; gnomAD exomes 0.00044 and 0.00123; TOPMed 0.00052; ExAC 0.00115; 1000 Genomes Project 30x 0.00328; 1000 Genomes Project 0.00339.
gnomAD v4.1: 704 of 1,613,762 alleles (0.044%); highest among the groups gnomAD compares: East Asian, 1.5%; 8 homozygotes.

Submissions (2):

Labcorp Genetics (formerly Invitae), Labcorp
Classification: Benign. Last evaluated: 2025-12-15. Review status: criteria provided, single submitter. Criteria: Invitae Variant Classification Sherloc (09022015). Collection method: clinical testing. Allele origin: germline.

GeneDx
Classification: Benign. Last evaluated: 2021-08-25. Review status: criteria provided, single submitter. Criteria: GeneDx Variant Classification Process June 2021. Collection method: clinical testing. Allele origin: germline. Affected: yes.